The following is an entry in ClinVar:

NM_004208.4(AIFM1):c.697-48A>G

Genes: AIFM1 (apoptosis inducing factor mitochondria associated 1; minus strand), RAB33A (RAB33A, member RAS oncogene family; plus strand). Cytogenetic location: Xq26.1.
Variant type: single nucleotide variant.
Coding change: c.697-48A>G on transcript NM_004208.4 (MANE Select); 48 bases into the intron before coding-DNA position 697, A replaced by G.
Molecular consequence: intron variant.
Genome position (GRCh38, 1-based): chrX:130,140,665, T>C on the plus strand (A>G on the coding strand, the complement: AIFM1 is on the minus strand). VCF-style: chrX-130140665-T-C. GRCh37 (hg19) VCF-style: chrX-129274640-T-C.
Other names: c.685-48A>G (NM_145812.3); c.697-48A>G (NM_001130847.4).
Identifiers: ClinVar variation 4990651 (VCV004990651.1).

ClinVar aggregate classification (germline): Likely benign (1 of 4 stars; one submission).

Conditions:
AIFM1-related disorder. Also called: AIFM1-related condition.

gnomAD v4.1: 23 of 983,219 alleles (0.0023%); highest among the groups gnomAD compares: African/African-American, 0.036%; no homozygotes.

Submission:

PreventionGenetics, part of Exact Sciences
Classification: Likely benign for AIFM1-related condition. Last evaluated: 2025-08-20. Review status: criteria provided, single submitter. Criteria: ACMG Guidelines, 2015. Collection method: clinical testing. Allele origin: germline.
Comment: This variant is classified as likely benign based on ACMG/AMP sequence variant interpretation guidelines (Richards et al. 2015 PMID: 25741868, with internal and published modifications).